The following continues an entry in ClinVar:

NM_015506.3(MMACHC):c.271dup (p.Arg91fs)

Gene: MMACHC. ClinVar aggregate classification (germline): Pathogenic/Likely pathogenic. Pathogenic (45); Likely pathogenic (1).

Submissions 38 to 56 of 56:

Illumina Laboratory Services, Illumina
Classification: Pathogenic for Disorders of Intracellular Cobalamin Metabolism. Last evaluated: 2017-10-26. Review status: criteria provided, single submitter. Criteria: ICSL Variant Classification Criteria 09 May 2019. Collection method: clinical testing. Allele origin: germline.
Comment: The MMACHC c.271dupA (p.Arg91LysfsTer14) variant, also referred to as c.270_271insA, results in a frameshift variant and is predicted to result in premature termination of the protein. The p.Arg91LysfsTer14 variant is well described in the literature and is reported as the most common pathogenic variant in the MMACHC gene accounting for approximately 40% of disease alleles (Manoli et al. 2016). The variant has been reported in at least 12 studies in which it was found in over 270 individuals with disorders of intracellular cobalamin metabolism, including at least 127 in a homozygous state and 143 in a compound heterozygous state (Lerner-Ellis et al. 2006; Morel et al. 2006; Heil et al. 2007; Nogueira et al. 2008; Lerner-Ellis et al. 2009; Perez et al. 2010; Frattini et al. 2010; Tsai et al. 2011; Komhoff et al. 2103; Gizicki et al. 2014; Fischer et al. 2014; Collison et al. 2015). The variant was absent from 105 controls and is reported at a frequency of 0.00173 in the European American population of the Exome Sequencing Project. Individuals who carry the p.Arg91LysfsTer14 variant in a homozygous state tend to have an earlier age of onset of the condition while the age of onset of disease when carried in the compound heterozygous state varies depending on the second variant (Morel et al. 2006). Functional studies in patient fibroblasts demonstrated that the p.Arg91LysfsTer variant results in significantly lower levels of transcript compared to wild type. Based on the potential impact of frameshift variants and the supporting evidence from the literature, the p.Arg91LysfsTer14 variant is classified as pathogenic for disorders of intracellular cobalamin metabolism. This variant was observed by ICSL as part of a predisposition screen in an ostensibly healthy population.

Women's Health and Genetics/Laboratory Corporation of America, LabCorp
Classification: Pathogenic for Cobalamin C disease. Last evaluated: 2016-09-12. Review status: criteria provided, single submitter. Criteria: LabCorp Variant Classification Summary - May 2015. Collection method: clinical testing. Allele origin: germline.
Comment: Variant summary: The MMACHC c.271dupA (p.Arg91Lysfs) variant results in a premature termination codon, predicted to cause a truncated or absent MMACHC protein due to nonsense mediated decay, which are commonly known mechanisms for disease. This variant was found in 132/120196 control chromosomes at a frequency of 0.0010982, which does not exceed the estimated maximal expected allele frequency of a pathogenic MMACHC variant (0.0030542). The variant is a well known common disease variant and has been reported in numerous affected individuals in the literature, including individuals carrying the variant in the homozygous and compound heterozygous state (Lerner-Ellis_2006). Supporting the pathogenicity of this variant, incorporation of labelled methyltetrahydrofolate and propionate into cellular macromolecules was significantly affected in patients with homozygous or compound heterozygous c.271dupA (Lerner-Ellis_2006). In addition, multiple clinical diagnostic laboratories/reputable databases classified this variant as pathogenic. Taken together, this variant is classified as pathogenic.

ARUP Laboratories, Molecular Genetics and Genomics, ARUP Laboratories
Classification: Pathogenic. Last evaluated: 2016-09-05. Review status: criteria provided, single submitter. Criteria: ARUP Molecular Germline Variant Investigation Process. Collection method: clinical testing. Allele origin: germline.

Center for Pediatric Genomic Medicine, Children's Mercy Hospital and Clinics
Classification: Pathogenic. Last evaluated: 2016-07-13. Review status: criteria provided, single submitter. Criteria: ACMG Guidelines, 2015. Collection method: clinical testing. Allele origin: germline.

Eurofins Ntd Llc (ga)
Classification: Pathogenic. Last evaluated: 2015-07-27. Review status: criteria provided, single submitter. Criteria: EGL Classification Definitions. Collection method: clinical testing. Allele origin: germline. Observed: 25 variant alleles, 21 heterozygotes, 4 homozygotes.

Laboratory for Molecular Medicine, Mass General Brigham Personalized Medicine
Classification: Pathogenic for Methylmalonic aciduria and homocystinuria,cblC type. Last evaluated: 2013-08-08. Review status: criteria provided, single submitter. Criteria: LMM Criteria. Collection method: clinical testing. Allele origin: germline. Inheritance: Autosomal recessive inheritance. Observed: 1 variant allele. Study: CSER-MedSeq.
Comment: The Arg91LysfsX14 variant in MMACHC has been identified in homozygosity in 81 individuals and in compound heterozygosity in 86 individuals with methylmalonic aciduria and homocystinuria, cblC type (Lerner-Ellis 2006, Richard 2009, Liu 2010). This frameshift variant is predicted to alter the protein’s amino acid sequence beginning at position 91 and lead to a premature termination codon 14 amino acids downstream. This alteration is then predicted to lead to a truncated or absent protein. In summary, this variant meets our criteria for pathogenicity.

Juno Genomics, Hangzhou Juno Genomics, Inc
Classification: Likely pathogenic for Cobalamin C disease. Review status: criteria provided, single submitter. Criteria: ACMG Guidelines, 2015. Collection method: clinical testing. Allele origin: germline.
Comment: Absent from controls (or at extremely low frequency if recessive) in Genome Aggregation Database.;Null variant in a gene where loss of function (LOF) is a known mechanism of disease.

Kariminejad - Najmabadi Pathology & Genetics Center
Classification: Pathogenic for Cobalamin C disease. Review status: criteria provided, single submitter. Criteria: ACMG Guidelines, 2015. Collection method: clinical testing. Allele origin: germline. Affected: no.

Neuberg Centre For Genomic Medicine, NCGM
Classification: Pathogenic for Cobalamin C disease. Review status: criteria provided, single submitter. Criteria: ACMG Guidelines, 2015. Collection method: clinical testing. Allele origin: germline. Inheritance: Autosomal recessive inheritance. Affected: yes.
Comment: The observed frameshift variant c.271dup(p.Arg91LysfsTer14) in MMACHC gene has been reported previously in homozygous and compound heterozygous state in multiple individuals with cobalamin C disease (Wang C, et al., 2019, Guéant JL, et al., 2018). Experimental evidence has demonstrated a significant reduction in transcript levels in the presence of this variant (Lerner-Ellis JP, et al., 2009). The c.271dup variant is reported with 0.1% allele frequency in gnomAD Exomes. This variant has been reported to the ClinVar database as Uncertain Significance/Pathogenic (multiple submissions).This variant causes a frameshift starting with codon Arginine at 91, changes this aminoacid to Lysine residue, and creates a premature stop codon at position 14 of the new reading frame, denoted p.Arg91LysfsTer14. This variant is predicted to cause loss of normal protein function through protein truncation. Loss of function variants have been previously reported to be disease causing. For these reasons, this variant has been classified as Pathogenic.

Neurology Department, Peking University First Hospital
Classification: Pathogenic for Methylmalonic acidemia with homocystinuria. Last evaluated: 2020-04-23. Review status: no assertion criteria provided. Collection method: research. Allele origin: germline. Affected: yes. Not counted in ClinVar's aggregate classification.

Sydney Genome Diagnostics, Children's Hospital Westmead
Classification: Pathogenic for Atypical hemolytic-uremic syndrome. Last evaluated: 2019-05-09. Review status: no assertion criteria provided. Collection method: clinical testing. Allele origin: unknown. Affected: yes. Observed: 1 variant allele, 1 heterozygote. Not counted in ClinVar's aggregate classification.
Comment: This frameshifting variant is predicted to create a premature stop codon p.(Arg91Lysfs*14) and may result in a null allele due to nonsense-mediated mRNA decay. This variant is one of the most common variants associated with cblC type methylmalonic aciduria and homocystinuria (Lerner-Ellis et al 2006 Nat Genet 38:93-100). This variant is considered to be pathogenic according to the ACMG guidelines.

OMIM
Classification: Pathogenic for METHYLMALONIC ACIDURIA AND HOMOCYSTINURIA, cblC TYPE, DIGENIC. Last evaluated: 2015-01-01. Review status: no assertion criteria provided. Collection method: literature only. Allele origin: germline. Not counted in ClinVar's aggregate classification.

Knight Diagnostic Laboratories, Oregon Health and Sciences University
Classification: Pathogenic for Methylmalonic acidemia with homocystinuria. Last evaluated: 2014-12-15. Review status: no assertion criteria provided. Criteria: ACMG Guidelines, 2015. Collection method: clinical testing. Allele origin: germline. Inheritance: Autosomal recessive inheritance. Affected: no. Not counted in ClinVar's aggregate classification.

OMIM
Classification: Pathogenic for METHYLMALONIC ACIDURIA AND HOMOCYSTINURIA, cblC TYPE. Last evaluated: 2009-07-01. Review status: no assertion criteria provided. Collection method: literature only. Allele origin: germline. Not counted in ClinVar's aggregate classification.

Clinical Genetics DNA and cytogenetics Diagnostics Lab, Erasmus MC, Erasmus Medical Center
Classification: Pathogenic. Review status: no assertion criteria provided. Collection method: clinical testing. Allele origin: germline. Affected: yes. Study: VKGL Data-share Consensus. Not counted in ClinVar's aggregate classification.

Clinical Genetics, Academic Medical Center
Classification: Pathogenic. Review status: no assertion criteria provided. Collection method: clinical testing. Allele origin: germline. Affected: yes. Study: VKGL Data-share Consensus. Not counted in ClinVar's aggregate classification.

GeneReviews
No classification provided. Condition: Disorders of Intracellular Cobalamin Metabolism. Review status: no classification provided. Collection method: literature only. Allele origin: germline. Not counted in ClinVar's aggregate classification.
Comment: Accounts for approximately 30%-50% of disease alleles in individuals of European ancestry.

Joint Genome Diagnostic Labs from Nijmegen and Maastricht, Radboudumc and MUMC+
Classification: Pathogenic. Review status: no assertion criteria provided. Collection method: clinical testing. Allele origin: germline. Affected: yes. Study: VKGL Data-share Consensus. Not counted in ClinVar's aggregate classification.

Laboratory of Diagnostic Genome Analysis, Leiden University Medical Center (LUMC)
Classification: Pathogenic. Review status: no assertion criteria provided. Collection method: clinical testing. Allele origin: germline. Affected: yes. Study: VKGL Data-share Consensus. Not counted in ClinVar's aggregate classification.

Literature cited by the submitters: PubMed 16311595 (cited by 12 submitters); PubMed 19370762 (cited by 5 submitters); PubMed 31279840 (cited by Otogenetics and Victorian Clinical Genetics Services, Murdoch Childrens Research Institute); PVS1: Frameshift indel introduces premature stop codon in gene with loss of function as mechanism of disease, predicted to undergo NMD (cited by Otogenetics); PS3_Supporting: Well-established in vitro and in vivo functional studies supportive of damaging effect on the gene product, with low residual enzymatic activity relative to wild-type reported (PMID: 19370762) (cited by Otogenetics); PM2_Supporting: Maximum founder gnomAD MAF of 0.28% in Ashkenazi Jewish (ASJ) subpopulation (<0.28% threshold) (cited by Otogenetics); PM3_VeryStrong: Variant reported in homozygous state in two affected individuals and reported in trans with multiple pathogenic variants in numerous individuals affected with methylmalonic aciduria and homocystinuria, cblC type (PMID: 16311595, 31279840) (cited by Otogenetics); PubMed 19760748 (cited by 5 submitters); PubMed 20631720 (cited by 3 submitters); PubMed 24599607 (cited by 5 submitters); PubMed 25894566 (cited by 3 submitters); PubMed 18245139 (cited by Mayo Clinic Laboratories, Mayo Clinic); PubMed 28835862 (cited by Mayo Clinic Laboratories, Mayo Clinic); PubMed 29294253 (cited by Mayo Clinic Laboratories, Mayo Clinic); PubMed 31137025 (cited by Mayo Clinic Laboratories, Mayo Clinic); PubMed 32164588 (cited by Mayo Clinic Laboratories, Mayo Clinic); PubMed 33562640 (cited by Mayo Clinic Laboratories, Mayo Clinic); PubMed 36338977 (cited by Mayo Clinic Laboratories, Mayo Clinic); PubMed 17853453 (cited by Illumina Laboratory Services, Illumina); PubMed 25687216 (cited by 3 submitters); PubMed 24126030 (cited by Illumina Laboratory Services, Illumina); PubMed 23837176 (cited by Illumina Laboratory Services, Illumina); PubMed 20610126 (cited by Illumina Laboratory Services, Illumina); PubMed 20549364 (cited by Illumina Laboratory Services, Illumina); PubMed 18164228 (cited by Illumina Laboratory Services, Illumina); PubMed 16714133 (cited by Illumina Laboratory Services, Illumina); PubMed 17768669 (cited by Illumina Laboratory Services, Illumina); PubMed 23757202 (cited by Eurofins Ntd Llc (ga)); PubMed 29302025 (cited by OMIM); Lerner-Ellis, J. P., Tirone, J. C., Pawelek, P. D., Dore, C., Atkinson, J. L., Watkins, D., Morel, C. F., Fujiwara, T. M., Moras, E., Hosack, A. R., Dunbar, G. V., Antonicka, H., and 10 others Identification of the gene responsible for methylmalonic aciduria and homocystinuria, cblC type. Nature Genet. 38: 93-100, 2006. Note: Erratum: Nature Genet. 38: 957 only, 2006. (cited by OMIM).